The following is an entry in ClinVar:

ClinVar aggregate classification (germline): Pathogenic (1 of 4 stars; one submission).

Conditions:
Hyperphenylalaninemia due to DNAJC12 deficiency. Also called: Hyperphenylalaninemia, mild, non-bh4-deficient. Identifiers: Orphanet 508523, MedGen C4479270, MONDO:0044304, OMIM 617384.

gnomAD v4.1: 3 of 1,613,556 alleles (0.00019%); highest among the groups gnomAD compares: African/African-American, 0.004%; no homozygotes.

Submission:

Daryl Scott Lab, Baylor College of Medicine
Classification: Pathogenic for Hyperphenylalaninemia due to DNAJC12 deficiency. Last evaluated: 2024-01-01. Review status: criteria provided, single submitter. Criteria: ACMG Guidelines, 2015. Collection method: clinical testing. Allele origin: paternal. Affected: yes. Observed: 1 heterozygote.
Comment: PVS1, PM2

NM_021800.3(DNAJC12):c.157+2T>C

Gene: DNAJC12 (DnaJ heat shock protein family (Hsp40) member C12; minus strand). Cytogenetic location: 10q21.3.
Variant type: single nucleotide variant.
Coding change: c.157+2T>C on transcript NM_021800.3 (MANE Select); the canonical splice donor site of the intron after coding-DNA position 157, T replaced by C.
Molecular consequence: splice donor variant.
Genome position (GRCh38, 1-based): chr10:67,823,312, A>G on the plus strand (T>C on the coding strand, the complement: DNAJC12 is on the minus strand). VCF-style: chr10-67823312-A-G. GRCh37 (hg19) VCF-style: chr10-69583070-A-G.
Other names: c.157+2T>C (NM_201262.2).
Identifiers: ClinVar variation 3764628 (VCV003764628.1).